The following is an entry in ClinVar:

NM_004341.5(CAD):c.2672G>A (p.Arg891His)

Genes: CAD (carbamoyl-phosphate synthetase 2, aspartate transcarbamylase, and dihydroorotase; plus strand), LOC126806171 (BRD4-independent group 4 enhancer GRCh37_chr2:27454350-27455549; plus strand). Cytogenetic location: 2p23.3.
Variant type: single nucleotide variant.
Coding change: c.2672G>A on transcript NM_004341.5 (MANE Select); coding-DNA position 2672, G replaced by A.
Protein change: p.Arg891His; replaces arginine 891 with histidine.
Molecular consequence: missense variant.
Genome position (GRCh38, 1-based): chr2:27,232,474, G>A. VCF-style: chr2-27232474-G-A. GRCh37 (hg19) VCF-style: chr2-27455342-G-A.
Other names: c.2483G>A, p.Arg828His (NM_001306079.2); short protein forms R891H, R828H.
Identifiers: ClinVar variation 1937775 (VCV001937775.2), dbSNP rs1410582768, ClinGen allele CA346212289.

ClinVar aggregate classification (germline): Uncertain significance (1 of 4 stars; one submission).

Allele frequency attached by ClinVar (database versions not stated): gnomAD exomes 0.00001; TOPMed 0.00001.
gnomAD v4.1: 9 of 1,614,184 alleles (0.00056%); highest among the groups gnomAD compares: Non-Finnish European, 0.00068%; no homozygotes.

Submission:

Labcorp Genetics (formerly Invitae), Labcorp
Classification: Uncertain significance. Last evaluated: 2022-04-19. Review status: criteria provided, single submitter. Criteria: Invitae Variant Classification Sherloc (09022015). Collection method: clinical testing. Allele origin: germline.
Comment: This sequence change replaces arginine, which is basic and polar, with histidine, which is basic and polar, at codon 891 of the CAD protein (p.Arg891His). This variant is not present in population databases (gnomAD no frequency). This variant has not been reported in the literature in individuals affected with CAD-related conditions. Algorithms developed to predict the effect of missense changes on protein structure and function (SIFT, PolyPhen-2, Align-GVGD) all suggest that this variant is likely to be disruptive. In summary, the available evidence is currently insufficient to determine the role of this variant in disease. Therefore, it has been classified as a Variant of Uncertain Significance.